The following is an entry in ClinVar:

NM_006348.5(COG5):c.936del (p.Val313fs)

Gene: COG5 (component of oligomeric golgi complex 5; minus strand). Cytogenetic location: 7q22.3.
Variant type: Deletion.
Coding change: c.936del on transcript NM_006348.5 (MANE Select); coding-DNA position 936, one base deleted (T; older notation c.936delT).
Protein change: p.Val313fs; shifts the reading frame from valine 313.
Molecular consequence: frameshift variant. On other transcripts: intron variant (2).
Genome position (GRCh38, 1-based): chr7:107,362,320, A deleted on the plus strand (T on the coding strand, the reverse complement: COG5 is on the minus strand). VCF-style (leftmost placement, unchanged base first): chr7-107362319-CA-C. GRCh37 (hg19) VCF-style: chr7-107002764-CA-C.
Other names: c.936del, p.Val313fs (NM_001161520.2, NM_001379511.1, NM_001379512.1 and 3 more transcripts); c.235-210del (NM_001379516.1); c.539-63974del (NM_001379515.1); short protein forms V313fs.
Identifiers: ClinVar variation 2019978 (VCV002019978.4), dbSNP rs2536503473, ClinGen allele CA2580076126.

ClinVar aggregate classification (germline): Pathogenic (1 of 4 stars; one submission).

Conditions:
COG5-congenital disorder of glycosylation. Also called: COG5-CDG; CDG IIi; CONGENITAL DISORDER OF GLYCOSYLATION, TYPE IIi. Identifiers: Orphanet 263487, MedGen C3150876, MONDO:0013325, OMIM 613612.

Submission:

Labcorp Genetics (formerly Invitae), Labcorp
Classification: Pathogenic for COG5-congenital disorder of glycosylation. Last evaluated: 2025-02-17. Review status: criteria provided, single submitter. Criteria: Invitae Variant Classification Sherloc (09022015). Collection method: clinical testing. Allele origin: germline.
Comment: This sequence change creates a premature translational stop signal (p.Val344Phefs*28) in the COG5 gene. It is expected to result in an absent or disrupted protein product. Loss-of-function variants in COG5 are known to be pathogenic (PMID: 23228021). This variant is not present in population databases (gnomAD no frequency). This variant has not been reported in the literature in individuals affected with COG5-related conditions. ClinVar contains an entry for this variant (Variation ID: 2019978). For these reasons, this variant has been classified as Pathogenic.

Literature cited by the submitters: PubMed 23228021.